The following is an entry in ClinVar:

NM_000393.5(COL5A2):c.3731T>C (p.Met1244Thr)

Gene: COL5A2 (collagen type V alpha 2 chain; minus strand). Cytogenetic location: 2q32.2.
Variant type: single nucleotide variant.
Coding change: c.3731T>C on transcript NM_000393.5 (MANE Select); coding-DNA position 3731, T replaced by C.
Protein change: p.Met1244Thr; replaces methionine 1244 with threonine.
Molecular consequence: missense variant.
Genome position (GRCh38, 1-based): chr2:189,039,466, A>G on the plus strand (T>C on the coding strand, the complement: COL5A2 is on the minus strand). VCF-style: chr2-189039466-A-G. GRCh37 (hg19) VCF-style: chr2-189904192-A-G.
Other names: short protein forms M1244T.
Identifiers: ClinVar variation 932005 (VCV000932005.3), dbSNP rs145100971, ClinGen allele CA349857923.

ClinVar aggregate classification (germline): Uncertain significance (1 of 4 stars; one submission).

Conditions:
Ehlers-Danlos syndrome, classic type, 2 (EDSCL2). Also called: Ehlers-Danlos syndrome, type 2; Ehlers-Danlos syndrome type 2 (formerly); Ehlers-Danlos Syndrome, Classic Type, COL5A2-Related. Identifiers: Orphanet 287, Orphanet 90318, MedGen C0268336, MONDO:0019568, OMIM 130010.

Submission:

Centre for Mendelian Genomics, University Medical Centre Ljubljana
Classification: Uncertain significance for Ehlers-Danlos syndrome, classic type, 2. Last evaluated: 2019-01-09. Review status: criteria provided, single submitter. Criteria: ACMG Guidelines, 2015. Collection method: clinical testing. Allele origin: unknown. Affected: yes.
Comment: This variant was classified as: Uncertain significance. The available evidence on this variant's pathogenicity is insufficient or conflicting. The following ACMG criteria were applied in classifying this variant: PM2.